The following is an entry in ClinVar:

NM_014336.5(AIPL1):c.615C>G (p.Ile205Met)

Gene: AIPL1 (AIP like 1 HSP90 co-chaperone; minus strand). Cytogenetic location: 17p13.2.
Variant type: single nucleotide variant.
Coding change: c.615C>G on transcript NM_014336.5 (MANE Select); coding-DNA position 615, C replaced by G.
Protein change: p.Ile205Met; replaces isoleucine 205 with methionine.
Molecular consequence: missense variant.
Genome position (GRCh38, 1-based): chr17:6,426,908, G>C on the plus strand (C>G on the coding strand, the complement: AIPL1 is on the minus strand). VCF-style: chr17-6426908-G-C. GRCh37 (hg19) VCF-style: chr17-6330228-G-C.
Other names: c.426C>G, p.Ile142Met (NM_001033054.3); c.435C>G, p.Ile145Met (NM_001033055.3); c.579C>G, p.Ile193Met (NM_001285399.3); c.549C>G, p.Ile183Met (NM_001285400.3); c.615C>G, p.Ile205Met (NM_001285401.3); c.498C>G, p.Ile166Met (NM_001285402.2); c.591C>G, p.Ile197Met (NM_001285403.4); short protein forms I145M, I205M, I166M, I183M, I193M, I142M, I197M.
Identifiers: ClinVar variation 864376 (VCV000864376.11), dbSNP rs374997186, ClinGen allele CA287324903.

ClinVar aggregate classification (germline): Uncertain significance (1 of 4 stars; one submission).

Conditions:
Leber congenital amaurosis 4 (LCA4). Identifiers: MedGen C1858386, MONDO:0011458, OMIM 604393.

Allele frequency attached by ClinVar (database versions not stated): gnomAD 0.00001; TOPMed 0.00001; ESP Exome Variant Server 0.00008.
gnomAD v4.1: 1 of 1,614,088 alleles (0.000062%); highest among the groups gnomAD compares: African/African-American, 0.0013%; no homozygotes.

Submission:

Labcorp Genetics (formerly Invitae), Labcorp
Classification: Uncertain significance for Leber congenital amaurosis 4. Last evaluated: 2022-08-23. Review status: criteria provided, single submitter. Criteria: Invitae Variant Classification Sherloc (09022015). Collection method: clinical testing. Allele origin: germline.
Comment: This sequence change replaces isoleucine, which is neutral and non-polar, with methionine, which is neutral and non-polar, at codon 205 of the AIPL1 protein (p.Ile205Met). This variant is present in population databases (rs374997186, gnomAD 0.01%). This variant has not been reported in the literature in individuals affected with AIPL1-related conditions. ClinVar contains an entry for this variant (Variation ID: 864376). Algorithms developed to predict the effect of missense changes on protein structure and function are either unavailable or do not agree on the potential impact of this missense change (SIFT: "Deleterious"; PolyPhen-2: "Possibly Damaging"; Align-GVGD: "Class C0"). In summary, the available evidence is currently insufficient to determine the role of this variant in disease. Therefore, it has been classified as a Variant of Uncertain Significance.